The following is an entry in ClinVar:

ClinVar aggregate classification (germline): Uncertain significance (1 of 4 stars; one submission).

Submission:

CeGaT Center for Human Genetics Tuebingen
Classification: Uncertain significance. Last evaluated: 2026-05-01. Review status: criteria provided, single submitter. Criteria: CeGaT Center For Human Genetics Tuebingen Variant Classification Criteria Version 2. Collection method: clinical testing. Allele origin: germline. Affected: yes. Observed: 1 variant allele.
Comment: NBAS: PM2, BP4

NM_015909.4(NBAS):c.5767A>G (p.Lys1923Glu)

Gene: NBAS (NBAS subunit of NRZ tethering complex; minus strand). Cytogenetic location: 2p24.3.
Variant type: single nucleotide variant.
Coding change: c.5767A>G on transcript NM_015909.4 (MANE Select); coding-DNA position 5767, A replaced by G.
Protein change: p.Lys1923Glu; replaces lysine 1923 with glutamic acid.
Molecular consequence: missense variant. On other transcripts: non-coding transcript variant (1).
Genome position (GRCh38, 1-based): chr2:15,238,644, T>C on the plus strand (A>G on the coding strand, the complement: NBAS is on the minus strand). VCF-style: chr2-15238644-T-C. GRCh37 (hg19) VCF-style: chr2-15378768-T-C.
Other names: short protein forms K1923E.
Identifiers: ClinVar variation 4874190 (VCV004874190.2).